The following is an entry in ClinVar:

ClinVar aggregate classification (germline): Pathogenic/Likely pathogenic. Review status: criteria provided, multiple submitters, no conflicts (2 of 4 stars). 2 submissions from 2 submitters: Pathogenic (1); Likely pathogenic (1). Last evaluated 2024-02-11.

Conditions:
Nephronophthisis. Also called: Juvenile Nephronophthisis. Identifiers: Orphanet 655, MedGen C0687120, MONDO:0019005, HP:0000090.
Infantile nephronophthisis (NPHP2). Also called: Nephronophthisis 2; Nephronophthisis 2, infantile. Identifiers: Orphanet 655, Orphanet 93591, MedGen C1865872, MONDO:0011190, OMIM 602088.

Submissions (2):

Labcorp Genetics (formerly Invitae), Labcorp
Classification: Pathogenic for Nephronophthisis. Last evaluated: 2024-02-11. Review status: criteria provided, single submitter. Criteria: Invitae Variant Classification Sherloc (09022015). Collection method: clinical testing. Allele origin: germline.
Comment: This sequence change creates a premature translational stop signal (p.Ser721Leufs*22) in the INVS gene. It is expected to result in an absent or disrupted protein product. Loss-of-function variants in INVS are known to be pathogenic (PMID: 12872123). This variant is not present in population databases (gnomAD no frequency). This variant has not been reported in the literature in individuals affected with INVS-related conditions. For these reasons, this variant has been classified as Pathogenic.

Fulgent Genetics
Classification: Likely pathogenic for Infantile nephronophthisis. Last evaluated: 2024-01-10. Review status: criteria provided, single submitter. Criteria: ACMG Guidelines, 2015. Collection method: clinical testing. Allele origin: germline.

Literature cited by the submitters: PubMed 12872123 (cited by Labcorp Genetics (formerly Invitae), Labcorp).

NM_014425.5(INVS):c.2160del (p.Ser721fs)

Gene: INVS (inversin; plus strand). Cytogenetic location: 9q31.1.
Variant type: Deletion.
Coding change: c.2160del on transcript NM_014425.5 (MANE Select); coding-DNA position 2160, one base deleted (C; older notation c.2160delC).
Protein change: p.Ser721fs; shifts the reading frame from serine 721.
Molecular consequence: frameshift variant. On other transcripts: non-coding transcript variant (1).
Genome position (GRCh38, 1-based): chr9:100,292,417, C deleted; the last of 3 consecutive C bases (chr9:100,292,415-100,292,417); deleting any one gives the same sequence. VCF-style (leftmost placement, unchanged base first): chr9-100292414-TC-T. GRCh37 (hg19) VCF-style: chr9-103054696-TC-T.
Other names: c.1872del, p.Ser625fs (NM_001318381.2); c.1182del, p.Ser395fs (NM_001318382.2); short protein forms S395fs, S625fs, S721fs.
Identifiers: ClinVar variation 3596174 (VCV003596174.3).